The following is an entry in ClinVar:

ClinVar aggregate classification (germline): Conflicting classifications of pathogenicity. Review status: criteria provided, conflicting classifications (1 of 4 stars). 6 submissions from 6 submitters: Uncertain significance (2); Benign (1); Likely benign (2). 1 of the submissions does not count toward it. Last evaluated 2026-02-02.

Conditions:
Hereditary spastic paraplegia 48. Also called: Spastic paraplegia 48; SPASTIC PARAPLEGIA 48, AUTOSOMAL RECESSIVE. Identifiers: Orphanet 306511, MedGen C3150901, MONDO:0013342, OMIM 613647.
AP5Z1-related disorder. Also called: AP5Z1-related condition.
Hereditary spastic paraplegia. Also called: Familial spastic paraparesis. Identifiers: Orphanet 685, MedGen C0037773, MONDO:0019064. Disease mechanism: loss of function.

Allele frequency attached by ClinVar (database versions not stated): gnomAD exomes 0.00056 and 0.00118; gnomAD 0.00065 and 0.00078; TOPMed 0.00077; ESP Exome Variant Server 0.00126; ExAC 0.00132; 1000 Genomes Project 30x 0.00172; 1000 Genomes Project 0.00180.
gnomAD v4.1: 944 of 1,612,904 alleles (0.059%); highest among the groups gnomAD compares: South Asian, 0.77%; 14 homozygotes.

Submissions (6):

Labcorp Genetics (formerly Invitae), Labcorp
Classification: Benign for Hereditary spastic paraplegia 48. Last evaluated: 2026-02-02. Review status: criteria provided, single submitter. Criteria: Invitae Variant Classification Sherloc (09022015). Collection method: clinical testing. Allele origin: germline.

CeGaT Center for Human Genetics Tuebingen
Classification: Likely benign. Last evaluated: 2025-04-01. Review status: criteria provided, single submitter. Criteria: CeGaT Center For Human Genetics Tuebingen Variant Classification Criteria Version 2. Collection method: clinical testing. Allele origin: germline. Affected: yes. Observed: 1 variant allele.
Comment: AP5Z1: BS2

Mayo Clinic Laboratories, Mayo Clinic
Classification: Uncertain significance. Last evaluated: 2022-06-27. Review status: criteria provided, single submitter. Criteria: ACMG Guidelines, 2015. Collection method: clinical testing. Allele origin: germline. Observed: 1 variant allele.
Comment: BS1

Genome Diagnostics Laboratory, The Hospital for Sick Children
Classification: Likely benign for Hereditary spastic paraplegia. Last evaluated: 2020-11-03. Review status: criteria provided, single submitter. Criteria: ACMG Guidelines, 2015. Collection method: clinical testing. Allele origin: germline. Affected: yes.

Illumina Laboratory Services, Illumina
Classification: Uncertain significance for Hereditary spastic paraplegia 48. Last evaluated: 2018-01-12. Review status: criteria provided, single submitter. Criteria: ICSL Variant Classification Criteria 13 December 2019. Collection method: clinical testing. Allele origin: germline.

PreventionGenetics, part of Exact Sciences
Classification: Likely benign for AP5Z1-related condition. Last evaluated: 2021-02-22. Review status: no assertion criteria provided. Collection method: clinical testing. Allele origin: germline. Not counted in ClinVar's aggregate classification.
Comment: This variant is classified as likely benign based on ACMG/AMP sequence variant interpretation guidelines (Richards et al. 2015 PMID: 25741868, with internal and published modifications).

NM_014855.3(AP5Z1):c.1936G>A (p.Val646Met)

Gene: AP5Z1 (adaptor related protein complex 5 subunit zeta 1; plus strand). Cytogenetic location: 7p22.1.
Variant type: single nucleotide variant.
Coding change: c.1936G>A on transcript NM_014855.3 (MANE Select); coding-DNA position 1936, G replaced by A.
Protein change: p.Val646Met; replaces valine 646 with methionine.
Molecular consequence: missense variant. On other transcripts: non-coding transcript variant (1).
Genome position (GRCh38, 1-based): chr7:4,790,589, G>A. VCF-style: chr7-4790589-G-A. GRCh37 (hg19) VCF-style: chr7-4830220-G-A.
Other names: p.Val646Met; c.1936G>A, p.Val646Met (LRG_1247t1); c.1468G>A, p.Val490Met (NM_001364858.1); short protein forms V646M, V490M.
Identifiers: ClinVar variation 360340 (VCV000360340.24), dbSNP rs200280538, ClinGen allele CA4138189.
Genomic context (GRCh38, chr7:4,790,589, plus strand): 5'-CTGCTGGAGTTCCTGGGCAGCGTGAATGGTCTCTGCAGCAGGGCGAGCCTCGTCACCAGC[G>A]TGGTAAGGCGGGCGCTGGCCTCCCACAGCCGCTCCTGACCCAGGAGGCCTGGGTGGGGGC-3'
Protein context (NP_055670.1, residues 636-656): LCSRASLVTS[Val646Met]VWAIGEYLSV